The following is an entry in ClinVar:

NM_001374353.1(GLI2):c.3732G>T (p.Gly1244=)

Gene: GLI2 (GLI family zinc finger 2; plus strand). Cytogenetic location: 2q14.2.
Variant type: single nucleotide variant.
Coding change: c.3732G>T on transcript NM_001374353.1 (MANE Select); coding-DNA position 3732, G replaced by T.
Protein change: p.Gly1244=; no amino-acid change (glycine 1244 retained).
Molecular consequence: synonymous variant.
Genome position (GRCh38, 1-based): chr2:120,989,697, G>T. VCF-style: chr2-120989697-G-T. GRCh37 (hg19) VCF-style: chr2-121747273-G-T.
Other names: c.3783G>T (NM_005270.4); c.3783G>T, p.Gly1261= (NM_001371271.1, NM_005270.5); c.3357G>T, p.Gly1119= (NM_001374354.1).
Identifiers: ClinVar variation 2923448 (VCV002923448.5), dbSNP rs142119594, ClinGen allele CA1852478.

ClinVar aggregate classification (germline): Likely benign. Review status: criteria provided, single submitter (1 of 4 stars). 2 submissions from 2 submitters: Likely benign (1). 1 of the submissions does not count toward it. Last evaluated 2023-11-22.

Conditions:
GLI2-related disorder. Also called: GLI2-related condition; GLI2-related disorders.
Holoprosencephaly 9 (HPE9). Also called: PITUITARY ANOMALIES WITH HOLOPROSENCEPHALY-LIKE FEATURES; HOLOPROSENCEPHALY WITH MICROPHTHALMIA AND FIRST BRANCHIAL ARCH ANOMALIES. Identifiers: Orphanet 2162, MedGen C1835819, MONDO:0012563, OMIM 610829.
Postaxial polydactyly-anterior pituitary anomalies-facial dysmorphism syndrome. Also called: Culler-Jones syndrome. Identifiers: Orphanet 420584, MedGen C4014479, MONDO:0014369, OMIM 615849.

Allele frequency attached by ClinVar (database versions not stated): gnomAD 0.00005; TOPMed 0.00008; ESP Exome Variant Server 0.00015.
gnomAD v4.1: 162 of 1,613,210 alleles (0.01%); highest among the groups gnomAD compares: Non-Finnish European, 0.013%; no homozygotes.

Submissions (2):

Labcorp Genetics (formerly Invitae), Labcorp
Classification: Likely benign for Postaxial polydactyly-anterior pituitary anomalies-facial dysmorphism syndrome; Holoprosencephaly 9. Last evaluated: 2023-11-22. Review status: criteria provided, single submitter. Criteria: Invitae Variant Classification Sherloc (09022015). Collection method: clinical testing. Allele origin: germline.

PreventionGenetics, part of Exact Sciences
Classification: Likely benign for GLI2-related condition. Last evaluated: 2019-05-09. Review status: no assertion criteria provided. Collection method: clinical testing. Allele origin: germline. Not counted in ClinVar's aggregate classification.
Comment: This variant is classified as likely benign based on ACMG/AMP sequence variant interpretation guidelines (Richards et al. 2015 PMID: 25741868, with internal and published modifications).